The following is an entry in ClinVar:

ClinVar aggregate classification (germline): Uncertain significance (1 of 4 stars; one submission).

Allele frequency attached by ClinVar (database versions not stated): TOPMed below 0.00001.

Submission:

Labcorp Genetics (formerly Invitae), Labcorp
Classification: Uncertain significance. Last evaluated: 2022-08-23. Review status: criteria provided, single submitter. Criteria: Invitae Variant Classification Sherloc (09022015). Collection method: clinical testing. Allele origin: germline.
Comment: ClinVar contains an entry for this variant (Variation ID: 1351345). This sequence change falls in intron 29 of the CYFIP2 gene. It does not directly change the encoded amino acid sequence of the CYFIP2 protein. It affects a nucleotide within the consensus splice site. This variant is not present in population databases (gnomAD no frequency). This variant has not been reported in the literature in individuals affected with CYFIP2-related conditions. Variants that disrupt the consensus splice site are a relatively common cause of aberrant splicing (PMID: 17576681, 9536098). Algorithms developed to predict the effect of sequence changes on RNA splicing suggest that this variant may disrupt the consensus splice site. In summary, the available evidence is currently insufficient to determine the role of this variant in disease. Therefore, it has been classified as a Variant of Uncertain Significance.

Literature cited by the submitters: PubMed 17576681; PubMed 9536098.

NM_001037333.3(CYFIP2):c.3446+3G>C

Genes: CYFIP2 (cytoplasmic FMR1 interacting protein 2; plus strand), NIPAL4-DT (NIPAL4 divergent transcript; minus strand). Cytogenetic location: 5q33.3.
Variant type: single nucleotide variant.
Coding change: c.3446+3G>C on transcript NM_001037333.3 (MANE Select); 3 bases into the intron after coding-DNA position 3446, G replaced by C.
Molecular consequence: intron variant.
Genome position (GRCh38, 1-based): chr5:157,389,430, G>C. VCF-style: chr5-157389430-G-C. GRCh37 (hg19) VCF-style: chr5-156816438-G-C.
Other names: c.3521+3G>C (NM_001291722.2); c.3368+3G>C (NM_001291721.2); c.3446+3G>C (NM_014376.4).
Identifiers: ClinVar variation 1351345 (VCV001351345.6), dbSNP rs1269022088, ClinGen allele CA806223564.